The following is an entry in ClinVar:

ClinVar aggregate classification (germline): Pathogenic (1 of 4 stars; one submission).

Conditions:
Benign familial neonatal-infantile seizures 1. Also called: Seizures, benign familial infantile, 1. Identifiers: Orphanet 306, MedGen C4551769, MONDO:0042499, OMIM 601764.
Seizures, benign familial infantile, 3 (BFIS3). Also called: CONVULSIONS, BENIGN FAMILIAL INFANTILE, 3; Familial neonatal seizures. Identifiers: Orphanet 140927, Orphanet 306, MedGen C1843140, MONDO:0011904, OMIM 607745.
SCN2A-related generalized epilepsy with febrile seizures plus. Identifiers: MedGen CN120574.
Developmental and epileptic encephalopathy, 11 (DEE11). Also called: Early infantile epileptic encephalopathy 11. Identifiers: Orphanet 1934, MedGen C3150987, MONDO:0013388, OMIM 613721.
Complex neurodevelopmental disorder. Identifiers: Orphanet 528084, MedGen C5568766, MONDO:0100038.

Submissions (2):

GeneDx
Classification: Pathogenic. Last evaluated: 2018-06-05. Review status: criteria provided, single submitter. Criteria: GeneDx Variant Classification Process June 2021. Collection method: clinical testing. Allele origin: germline. Affected: yes.
Comment: Not observed in large population cohorts (Lek et al., 2016); The majority of missense variants in this gene are considered pathogenic (Stenson et al., 2014); In silico analysis, which includes protein predictors and evolutionary conservation, supports a deleterious effect; This variant is associated with the following publications: (PMID: 23827426, 25262651, 29691040, 29186148, 29655203, 32090326)

Channelopathy-Associated Epilepsy Research Center
No classification provided (evidence only). Condition: Complex neurodevelopmental disorder. Review status: no classification provided. Collection method: literature only. Allele origin: not applicable. Functional consequence: Moderate decrease in peak current, Normal voltage dependence of activation, Normal slope of activation, Normal voltage dependence of fast inactivation, Increase in slope of fast inactivation, Mild-moderate slowing of recovery from fast inactivation, Normal recovery from slow inactivation, Mild slowing of fast inactivation. Not counted in ClinVar's aggregate classification.
ClinVar note: "not provided" was previously submitted as the classification for the variant. However, the classification appeared to be based only on an observation of functional data so it was converted to no classification on 2025-07-30.

Literature cited by the submitters: PubMed 37578743 (cited by Channelopathy-Associated Epilepsy Research Center).

NM_001040142.2(SCN2A):c.4264A>G (p.Lys1422Glu)

Gene: SCN2A (sodium voltage-gated channel alpha subunit 2; plus strand). Cytogenetic location: 2q24.3.
Variant type: single nucleotide variant.
Coding change: c.4264A>G on transcript NM_001040142.2 (MANE Select); coding-DNA position 4264, A replaced by G.
Protein change: p.Lys1422Glu; replaces lysine 1422 with glutamic acid.
Molecular consequence: missense variant.
Genome position (GRCh38, 1-based): chr2:165,377,606, A>G. VCF-style: chr2-165377606-A-G. GRCh37 (hg19) VCF-style: chr2-166234116-A-G.
Other names: p.K1422E:AAG>GAG; c.4264A>G, p.Lys1422Glu (NM_001040143.2, NM_001371246.1, NM_001371247.1 and 1 more transcripts); short protein forms K1422E.
Identifiers: ClinVar variation 206999 (VCV000206999.9), dbSNP rs796053137, ClinGen allele CA317963.